The following is an entry in ClinVar:

NM_001195553.2(DCX):c.428A>T (p.Asn143Ile)

Gene: DCX (doublecortin; minus strand). Cytogenetic location: Xq23.
Variant type: single nucleotide variant.
Coding change: c.428A>T on transcript NM_001195553.2 (MANE Select); coding-DNA position 428, A replaced by T.
Protein change: p.Asn143Ile; replaces asparagine 143 with isoleucine.
Molecular consequence: missense variant.
Genome position (GRCh38, 1-based): chrX:111,401,267, T>A on the plus strand (A>T on the coding strand, the complement: DCX is on the minus strand). VCF-style: chrX-111401267-T-A. GRCh37 (hg19) VCF-style: chrX-110644495-T-A.
Other names: c.671A>T, p.Asn224Ile (NM_000555.3); c.428A>T, p.Asn143Ile (NM_001369370.1, NM_001369371.1, NM_001369372.1 and 6 more transcripts); short protein forms N143I, N224I.
Identifiers: ClinVar variation 3903374 (VCV003903374.1).

ClinVar aggregate classification (germline): Uncertain significance (1 of 4 stars; one submission).

Submission:

GeneDx
Classification: Uncertain significance. Last evaluated: 2024-12-08. Review status: criteria provided, single submitter. Criteria: GeneDx Variant Classification Process June 2021. Collection method: clinical testing. Allele origin: germline. Affected: yes.
Comment: Not observed at significant frequency in large population cohorts (gnomAD); In silico analysis supports that this missense variant has a deleterious effect on protein structure/function; Has not been previously published as pathogenic or benign to our knowledge